The following is an entry in ClinVar:

ClinVar aggregate classification (germline): Uncertain significance (1 of 4 stars; one submission).

Submission:

Labcorp Genetics (formerly Invitae), Labcorp
Classification: Uncertain significance. Last evaluated: 2024-01-08. Review status: criteria provided, single submitter. Criteria: Invitae Variant Classification Sherloc (09022015). Collection method: clinical testing. Allele origin: germline.
Comment: This sequence change replaces leucine, which is neutral and non-polar, with proline, which is neutral and non-polar, at codon 538 of the DTHD1 protein (p.Leu538Pro). This variant is not present in population databases (gnomAD no frequency). This variant has not been reported in the literature in individuals affected with DTHD1-related conditions. An algorithm developed to predict the effect of missense changes on protein structure and function (PolyPhen-2) suggests that this variant is likely to be disruptive. In summary, the available evidence is currently insufficient to determine the role of this variant in disease. Therefore, it has been classified as a Variant of Uncertain Significance.

NM_001170700.3(DTHD1):c.2483T>C (p.Leu828Pro)

Gene: DTHD1 (death domain containing 1; plus strand). Cytogenetic location: 4p14.
Variant type: single nucleotide variant.
Coding change: c.2483T>C on transcript NM_001170700.3 (MANE Select); coding-DNA position 2483, T replaced by C.
Protein change: p.Leu828Pro; replaces leucine 828 with proline.
Molecular consequence: missense variant. On other transcripts: non-coding transcript variant (2).
Genome position (GRCh38, 1-based): chr4:36,343,586, T>C. VCF-style: chr4-36343586-T-C. GRCh37 (hg19) VCF-style: chr4-36345208-T-C.
Other names: c.1613T>C, p.Leu538Pro (NM_001136536.5); c.1492T>C, p.Cys498Arg (NM_001378435.1); short protein forms C498R, L538P, L828P.
Identifiers: ClinVar variation 2708187 (VCV002708187.3), dbSNP rs2529891108, ClinGen allele CA356682192.